The following is an entry in ClinVar:

NM_024782.3(NHEJ1):c.500A>G (p.Tyr167Cys)

Gene: NHEJ1 (non-homologous end joining factor 1; minus strand). Cytogenetic location: 2q35.
Variant type: single nucleotide variant.
Coding change: c.500A>G on transcript NM_024782.3 (MANE Select); coding-DNA position 500, A replaced by G.
Protein change: p.Tyr167Cys; replaces tyrosine 167 with cysteine.
Molecular consequence: missense variant. On other transcripts: non-coding transcript variant (1).
Genome position (GRCh38, 1-based): chr2:219,147,686, T>C on the plus strand (A>G on the coding strand, the complement: NHEJ1 is on the minus strand). VCF-style: chr2-219147686-T-C. GRCh37 (hg19) VCF-style: chr2-220012408-T-C.
Other names: c.500A>G, p.Tyr167Cys (NM_001377498.1, NM_001377499.1); short protein forms Y167C.
Identifiers: ClinVar variation 2148263 (VCV002148263.4), dbSNP rs775191124, ClinGen allele CA2116972.

ClinVar aggregate classification (germline): Uncertain significance (1 of 4 stars; one submission).

Conditions:
Cernunnos-XLF deficiency (IMD124). Also called: SCID, AUTOSOMAL RECESSIVE, T CELL-NEGATIVE, B CELL-NEGATIVE, NK CELL-POSITIVE, WITH MICROCEPHALY, GROWTH RETARDATION, AND SENSITIVITY TO IONIZING RADIATION; Severe combined immunodeficiency with sensitivity to ionizing radiation due to NHEJ1 deficiency; SCID, autosomal recessive, T cell-negative, B cell-negative, NK cell-positive, and sensitivity to ionizing radiation due to NHEJ1 deficiency; IMMUNODEFICIENCY 124, SEVERE COMBINED; NHEJ1 SYNDROME. Identifiers: Orphanet 169079, MedGen C1969799, MONDO:0012650, OMIM 611291.

Allele frequency attached by ClinVar (database versions not stated): gnomAD exomes below 0.00001; ExAC 0.00001; TOPMed 0.00002.
gnomAD v4.1: 6 of 1,614,220 alleles (0.00037%); highest among the groups gnomAD compares: Middle Eastern, 0.033%; no homozygotes.

Submission:

Labcorp Genetics (formerly Invitae), Labcorp
Classification: Uncertain significance for Cernunnos-XLF deficiency. Last evaluated: 2022-08-01. Review status: criteria provided, single submitter. Criteria: Invitae Variant Classification Sherloc (09022015). Collection method: clinical testing. Allele origin: germline.
Comment: This variant is present in population databases (rs775191124, gnomAD 0.0009%). This sequence change replaces tyrosine, which is neutral and polar, with cysteine, which is neutral and slightly polar, at codon 167 of the NHEJ1 protein (p.Tyr167Cys). This variant has not been reported in the literature in individuals affected with NHEJ1-related conditions. In summary, the available evidence is currently insufficient to determine the role of this variant in disease. Therefore, it has been classified as a Variant of Uncertain Significance. Algorithms developed to predict the effect of missense changes on protein structure and function (SIFT, PolyPhen-2, Align-GVGD) all suggest that this variant is likely to be disruptive.